The following is an entry in ClinVar:

NM_000051.4(ATM):c.5106A>G (p.Leu1702=)

Gene: ATM (ATM serine/threonine kinase; plus strand). Cytogenetic location: 11q22.3.
Variant type: single nucleotide variant.
Coding change: c.5106A>G on transcript NM_000051.4 (MANE Select); coding-DNA position 5106, A replaced by G.
Protein change: p.Leu1702=; no amino-acid change (leucine 1702 retained).
Molecular consequence: synonymous variant.
Genome position (GRCh38, 1-based): chr11:108,299,814, A>G. VCF-style: chr11-108299814-A-G. GRCh37 (hg19) VCF-style: chr11-108170541-A-G.
Other names: c.5106A>G, p.Leu1702= (NM_001351834.2).
Identifiers: ClinVar variation 1568887 (VCV001568887.11), dbSNP rs2083331055, ClinGen allele CA476674709.

ClinVar aggregate classification (germline): Benign/Likely benign. Review status: criteria provided, multiple submitters, no conflicts (2 of 4 stars). 3 submissions from 3 submitters: Benign (1); Likely benign (2). Last evaluated 2025-09-22.

Conditions:
Familial cancer of breast. Also called: Hereditary breast cancer; BREAST CANCER, FAMILIAL; hereditary breast carcinoma. Identifiers: Orphanet 227535, MedGen C0346153, MONDO:0016419, OMIM 114480. Disease mechanism: loss of function.
Ataxia-telangiectasia syndrome (AT). Also called: ATAXIA-TELANGIECTASIA, COMPLEMENTATION GROUP A; Ataxia telangiectasia (A-T); Ataxia-telangiectasia, complementation group E; Ataxia-telangiectasia; Cerebello-oculocutaneous telangiectasia; Immunodeficiency with ataxia telangiectasia. Identifiers: Orphanet 100, MedGen C0004135, MONDO:0008840, OMIM 208900.
Hereditary cancer-predisposing syndrome. Also called: Neoplastic Syndromes, Hereditary; Tumor predisposition; Hereditary Cancer Syndrome; Hereditary neoplastic syndrome. Identifiers: Orphanet 140162, MedGen C0027672, MeSH D009386, MONDO:0015356.

Allele frequency attached by ClinVar (database versions not stated): gnomAD exomes below 0.00001; gnomAD 0.00001.
gnomAD v4.1: 7 of 1,613,790 alleles (0.00043%); highest among the groups gnomAD compares: South Asian, 0.0077%; no homozygotes.

Submissions (3):

Labcorp Genetics (formerly Invitae), Labcorp
Classification: Likely benign for Ataxia-telangiectasia syndrome. Last evaluated: 2025-09-22. Review status: criteria provided, single submitter. Criteria: Invitae Variant Classification Sherloc (09022015). Collection method: clinical testing. Allele origin: germline.

Myriad Genetics, Inc.
Classification: Benign for Familial cancer of breast. Last evaluated: 2024-05-22. Review status: criteria provided, single submitter. Criteria: Myriad Autosomal Dominant, Autosomal Recessive and X-Linked Classification Criteria (2023). Collection method: clinical testing. Allele origin: unknown.
Comment: This variant is considered benign. This variant is a silent/synonymous amino acid change and it is not expected to impact splicing.

Ambry Genetics
Classification: Likely benign for Hereditary cancer-predisposing syndrome. Last evaluated: 2020-08-15. Review status: criteria provided, single submitter. Criteria: Ambry Variant Classification Scheme 2023. Collection method: clinical testing. Allele origin: germline.